The following is an entry in ClinVar:

NM_004006.3(DMD):c.8992del (p.Ala2999fs)

Gene: DMD (dystrophin; minus strand). Cytogenetic location: Xp21.2.
Variant type: Deletion.
Coding change: c.8992del on transcript NM_004006.3 (MANE Select); coding-DNA position 8992, one base deleted (C; older notation c.8992delC).
Protein change: p.Ala2999fs; shifts the reading frame from alanine 2999.
Molecular consequence: frameshift variant.
Genome position (GRCh38, 1-based): chrX:31,444,573, G deleted on the plus strand (C on the coding strand, the reverse complement: DMD is on the minus strand); the first of 2 consecutive G bases (chrX:31,444,573-31,444,574); deleting either gives the same sequence. VCF-style (leftmost placement, unchanged base first): chrX-31444572-AG-A. GRCh37 (hg19) VCF-style: chrX-31462689-AG-A.
Other names: c.8968del, p.Ala2991fs (NM_000109.4); c.8980del, p.Ala2995fs (NM_004009.3); c.8623del, p.Ala2876fs (NM_004010.3); c.4969del, p.Ala1658fs (NM_004011.4); c.4960del, p.Ala1655fs (NM_004012.4); c.1612del, p.Ala539fs (NM_004013.3, NM_004020.4, NM_004021.3 and 2 more transcripts); c.805del, p.Ala270fs (NM_004014.3); c.8992delC (NM_004006.2); short protein forms A539fs, A1658fs, A2876fs, A2995fs, A2999fs, A1655fs, A270fs, A2991fs.
Identifiers: ClinVar variation 666110 (VCV000666110.7), dbSNP rs1602938385, ClinGen allele CA915950939.
Genomic context (GRCh38, chrX:31,444,572, plus strand): 5'-TCCAGAGTGCTGAGGTTATACGGTGAGAGCTGAATGCCCAAAGTGGTAAGCTGGCGAGCA[AG>A]GTCATTGACGTGGCTCACGTTCTCTTTCAGAGGCGCAATTTCTCCTCGAAGTGCCTGTGT-3'

ClinVar aggregate classification (germline): Pathogenic (1 of 4 stars; one submission).

Conditions:
Duchenne muscular dystrophy (DMD). Also called: MUSCULAR DYSTROPHY, PSEUDOHYPERTROPHIC PROGRESSIVE, DUCHENNE TYPE; Duchenne Muscular Dystrophy (DMD). Identifiers: Orphanet 98896, MedGen C0013264, MONDO:0010679, OMIM 310200.

Submission:

Labcorp Genetics (formerly Invitae), Labcorp
Classification: Pathogenic for Duchenne muscular dystrophy. Last evaluated: 2022-07-08. Review status: criteria provided, single submitter. Criteria: Invitae Variant Classification Sherloc (09022015). Collection method: clinical testing. Allele origin: germline.
Comment: This variant is not present in population databases (gnomAD no frequency). This variant has not been reported in the literature in individuals affected with DMD-related conditions. ClinVar contains an entry for this variant (Variation ID: 666110). This sequence change creates a premature translational stop signal (p.Ala2999Leufs*22) in the DMD gene. It is expected to result in an absent or disrupted protein product. Loss-of-function variants in DMD are known to be pathogenic (PMID: 16770791, 25007885). For these reasons, this variant has been classified as Pathogenic.

Literature cited by the submitters: PubMed 16770791; PubMed 25007885.